The following is an entry in ClinVar:

NM_014727.3(KMT2B):c.3604A>G (p.Met1202Val)

Gene: KMT2B (lysine methyltransferase 2B; plus strand). Cytogenetic location: 19q13.12.
Variant type: single nucleotide variant.
Coding change: c.3604A>G on transcript NM_014727.3 (MANE Select); coding-DNA position 3604, A replaced by G.
Protein change: p.Met1202Val; replaces methionine 1202 with valine.
Molecular consequence: missense variant.
Genome position (GRCh38, 1-based): chr19:35,725,295, A>G. VCF-style: chr19-35725295-A-G. GRCh37 (hg19) VCF-style: chr19-36216196-A-G.
Other names: c.3604A>G (NM_014727.1); short protein forms M1202V.
Identifiers: ClinVar variation 1204819 (VCV001204819.7), dbSNP rs755470297, ClinGen allele CA9384808.
Genomic context (GRCh38, chr19:35,725,295, plus strand): 5'-GAGAACGTGTGGCTGATGGGGGGCCTGAGTGTGCTCACCTCTGTGCCAGGGGGCCCCCCG[A>G]TGGTGTGCTTGCTGTGTGCCAGCAAAGGACTCCACGAGGTTAGATCTCTGCCTTTCTTCA-3'
Protein context (NP_055542.1, residues 1192-1212): VLTSVPGGPP[Met1202Val]VCLLCASKGL

ClinVar aggregate classification (germline): Conflicting classifications of pathogenicity. Review status: criteria provided, conflicting classifications (1 of 4 stars). 3 submissions from 3 submitters: Uncertain significance (2); Likely benign (1). Last evaluated 2025-08-22.

Conditions:
Inborn genetic diseases. Identifiers: MedGen C0950123, MeSH D030342.

Allele frequency attached by ClinVar (database versions not stated): gnomAD 0.00001; gnomAD exomes 0.00001 and below 0.00001; TOPMed 0.00002; ExAC 0.00001.

Submissions (3):

Ambry Genetics
Classification: Uncertain significance for Inborn genetic diseases. Last evaluated: 2025-08-22. Review status: criteria provided, single submitter. Criteria: Ambry Variant Classification Scheme 2023. Collection method: clinical testing. Allele origin: germline.

Labcorp Genetics (formerly Invitae), Labcorp
Classification: Likely benign. Last evaluated: 2025-06-10. Review status: criteria provided, single submitter. Criteria: Invitae Variant Classification Sherloc (09022015). Collection method: clinical testing. Allele origin: germline.

GeneDx
Classification: Uncertain significance. Last evaluated: 2020-11-18. Review status: criteria provided, single submitter. Criteria: GeneDx Variant Classification Process June 2021. Collection method: clinical testing. Allele origin: germline. Affected: yes.
Comment: Not observed at a significant frequency in large population cohorts (Lek et al., 2016); In silico analysis supports that this missense variant does not alter protein structure/function; Has not been previously published as pathogenic or benign to our knowledge